The following is an entry in ClinVar:

ClinVar aggregate classification (germline): Pathogenic/Likely pathogenic. Review status: criteria provided, multiple submitters, no conflicts (2 of 4 stars). 3 submissions from 3 submitters: Pathogenic (1); Likely pathogenic (2). Last evaluated 2025-10-11.

Conditions:
Familial dysautonomia. Also called: FD; HSAN III. Identifiers: Orphanet 1764, MedGen C0013364, MONDO:0009131, OMIM 223900. Disease mechanism: loss of function.
Medulloblastoma (MDB). Also called: Medulloblastoma, somatic; MEDULLOBLASTOMA PREDISPOSITION SYNDROME. Identifiers: Orphanet 616, MedGen C0025149, MeSH D008527, MONDO:0007959, OMIM 155255, HP:0002885.

Allele frequency attached by ClinVar (database versions not stated): TOPMed below 0.00001; gnomAD 0.00001; ESP Exome Variant Server 0.00008.
gnomAD v4.1: 2 of 1,612,144 alleles (0.00012%); highest among the groups gnomAD compares: African/African-American, 0.0027%; no homozygotes.

Submissions (3):

Natera, Inc.
Classification: Likely pathogenic for Familial dysautonomia. Last evaluated: 2025-10-11. Review status: criteria provided, single submitter. Criteria: Natera Variant Classification Schema (03/2026). Collection method: clinical testing. Allele origin: germline.
Comment: The c.1361-1G>T variant in ELP1 is a canonical splice acceptor site variant predicted to affect pre-mRNA splicing, which may result in an abnormal transcript and altered protein product. This variant is expected to result in nonsense mediated decay, truncation, or a dysfunctional protein product. This variant is rare in the general population with a frequency below the threshold expected for the associated phenotype(s). Given the available evidence, this variant is classified as Likely Pathogenic.

Labcorp Genetics (formerly Invitae), Labcorp
Classification: Pathogenic. Last evaluated: 2021-12-02. Review status: criteria provided, single submitter. Criteria: Invitae Variant Classification Sherloc (09022015). Collection method: clinical testing. Allele origin: germline.
Comment: Algorithms developed to predict the effect of sequence changes on RNA splicing suggest that this variant may disrupt the consensus splice site. For these reasons, this variant has been classified as Pathogenic. Disruption of this splice site has been observed in individual(s) with clinical features of ELP1-related conditions (Invitae). In at least one individual the data is consistent with being in trans (on the opposite chromosome) from a pathogenic variant. This variant is present in population databases (rs372225464, gnomAD 0.004%). This sequence change affects an acceptor splice site in intron 12 of the ELP1 gene. It is expected to disrupt RNA splicing. Variants that disrupt the donor or acceptor splice site typically lead to a loss of protein function (PMID: 16199547), and loss-of-function variants in ELP1 are known to be pathogenic (PMID: 18303054, 24173031).

Fulgent Genetics
Classification: Likely pathogenic for Medulloblastoma; Familial dysautonomia. Last evaluated: 2021-10-28. Review status: criteria provided, single submitter. Criteria: ACMG Guidelines, 2015. Collection method: clinical testing. Allele origin: unknown.

Literature cited by the submitters: PubMed 16199547 (cited by Labcorp Genetics (formerly Invitae), Labcorp); PubMed 18303054 (cited by Labcorp Genetics (formerly Invitae), Labcorp); PubMed 24173031 (cited by Labcorp Genetics (formerly Invitae), Labcorp).

NM_003640.5(ELP1):c.1361-1G>T

Gene: ELP1 (elongator acetyltransferase complex subunit 1; minus strand). Cytogenetic location: 9q31.3.
Variant type: single nucleotide variant.
Coding change: c.1361-1G>T on transcript NM_003640.5 (MANE Select); the canonical splice acceptor site of the intron before coding-DNA position 1361, G replaced by T.
Molecular consequence: splice acceptor variant.
Genome position (GRCh38, 1-based): chr9:108,908,405, C>A on the plus strand (G>T on the coding strand, the complement: ELP1 is on the minus strand). VCF-style: chr9-108908405-C-A. GRCh37 (hg19) VCF-style: chr9-111670685-C-A.
Other names: c.1019-1G>T (NM_001318360.2); c.314-1G>T (NM_001330749.2); c.1361-1G>T (NM_003640.4).
Identifiers: ClinVar variation 1460164 (VCV001460164.8), dbSNP rs372225464, ClinGen allele CA197541750.